The following is an entry in ClinVar:

NM_018100.4(EFHC1):c.826C>T (p.Arg276Ter)

Gene: EFHC1 (EF-hand domain containing 1; plus strand). Cytogenetic location: 6p12.2.
Variant type: single nucleotide variant.
Coding change: c.826C>T on transcript NM_018100.4 (MANE Select); coding-DNA position 826, C replaced by T.
Protein change: p.Arg276Ter; replaces arginine 276 with a stop codon.
Molecular consequence: nonsense. On other transcripts: non-coding transcript variant (1).
Genome position (GRCh38, 1-based): chr6:52,454,197, C>T. VCF-style: chr6-52454197-C-T. GRCh37 (hg19) VCF-style: chr6-52318995-C-T.
Other names: c.769C>T, p.Arg257Ter (NM_001172420.2); short protein forms R276*, R257*.
Identifiers: ClinVar variation 210912 (VCV000210912.6), dbSNP rs796052414, ClinGen allele CA209654.
Genomic context (GRCh38, chr6:52,454,197, plus strand): 5'-TATGGTGAATGTCGGACCTACATCATTCATTACTATCTTATGGATGATACGGTGGAAATT[C>T]GAGAGGTCCACGAACGGAATGATGGGAGAGATCCTTTCCCACTCCTAATGAACCGCCAGC-3'

ClinVar aggregate classification (germline): no classifications from unflagged records (0 of 4 stars; one submission).

Conditions:
Myoclonic epilepsy, juvenile, susceptibility to, 1. Also called: Myoclonic Epilepsy, Juvenile, 1; EJM1. Identifiers: MedGen C1850778, MONDO:0020752, OMIM 254770.

Allele frequency attached by ClinVar (database versions not stated): gnomAD exomes below 0.00001 and 0.00001.
gnomAD v4.1: 4 of 1,614,074 alleles (0.00025%); highest among the groups gnomAD compares: South Asian, 0.0011%; no homozygotes.

Submission:

Genetic Services Laboratory, University of Chicago
Classification: Pathogenic for Myoclonic epilepsy, juvenile, susceptibility to, 1. Last evaluated: 2015-01-30. Review status: flagged submission. Criteria: ACMG Guidelines, 2015. Collection method: clinical testing. Allele origin: germline. Affected: yes.
ClinVar note: Notes: Flagging candidate with reason of insufficient supporting evidence. This gene has been refuted by a ClinGen Expert Panel.
ClinVar note: Reason: Other